The following is an entry in ClinVar:

NM_014330.5(PPP1R15A):c.1002A>C (p.Pro334=)

Genes: PPP1R15A (protein phosphatase 1 regulatory subunit 15A; plus strand), LOC119369030 (CRISPRi-FlowFISH-validated BAX, FTL and NUCB1 regulatory elements; plus strand). Cytogenetic location: 19q13.33.
Variant type: single nucleotide variant.
Coding change: c.1002A>C on transcript NM_014330.5 (MANE Select); coding-DNA position 1002, A replaced by C.
Protein change: p.Pro334=; no amino-acid change (proline 334 retained).
Molecular consequence: synonymous variant.
Genome position (GRCh38, 1-based): chr19:48,874,235, A>C. VCF-style: chr19-48874235-A-C. GRCh37 (hg19) VCF-style: chr19-49377492-A-C.
Identifiers: ClinVar variation 3777862 (VCV003777862.7).

ClinVar aggregate classification (germline): Likely benign (1 of 4 stars; one submission).

gnomAD v4.1: 570 of 1,614,080 alleles (0.035%); highest among the groups gnomAD compares: African/African-American, 0.67%; 3 homozygotes.

Submission:

CeGaT Center for Human Genetics Tuebingen
Classification: Likely benign. Last evaluated: 2025-03-01. Review status: criteria provided, single submitter. Criteria: CeGaT Center For Human Genetics Tuebingen Variant Classification Criteria Version 2. Collection method: clinical testing. Allele origin: germline. Affected: yes. Observed: 1 variant allele.
Comment: PPP1R15A: BP4, BP7